The following is an entry in ClinVar:

NM_005560.6(LAMA5):c.10951C>T (p.Pro3651Ser)

Gene: LAMA5 (laminin subunit alpha 5; minus strand). Cytogenetic location: 20q13.33.
Variant type: single nucleotide variant.
Coding change: c.10951C>T on transcript NM_005560.6 (MANE Select); coding-DNA position 10951, C replaced by T.
Protein change: p.Pro3651Ser; replaces proline 3651 with serine.
Molecular consequence: missense variant.
Genome position (GRCh38, 1-based): chr20:62,309,473, G>A on the plus strand (C>T on the coding strand, the complement: LAMA5 is on the minus strand). VCF-style: chr20-62309473-G-A. GRCh37 (hg19) VCF-style: chr20-60884529-G-A.
Other names: short protein forms P3651S.
Identifiers: ClinVar variation 3117497 (VCV003117497.2), dbSNP rs1386101226, ClinGen allele CA409533216.
Genomic context (GRCh38, chr20:62,309,473, plus strand): 5'-TCACCGCCAGCCTCCTCATGCAGCCGCAGTAGGCGGGGGGCCAGGGCTGCACGGCCATGG[G>A]CTCTGGGGGCACAGGGAAGATGGAAGAAGGCTGGTTGGTGGGCAGCTAGAGACCCACAGG-3'
Protein context (NP_005551.3, residues 3641-3661): APLYLGGLPE[Pro3651Ser]MAVQPWPPAY

ClinVar aggregate classification (germline): Uncertain significance. Review status: criteria provided, multiple submitters, no conflicts (2 of 4 stars). 2 submissions from 2 submitters: Uncertain significance (2). Last evaluated 2025-03-22.

Conditions:
Inborn genetic diseases. Identifiers: MedGen C0950123, MeSH D030342.

Allele frequency attached by ClinVar (database versions not stated): TOPMed below 0.00001; gnomAD 0.00001; gnomAD exomes 0.00001.
gnomAD v4.1: 15 of 1,576,416 alleles (0.00095%); highest among the groups gnomAD compares: Non-Finnish European, 0.0013%; no homozygotes.

Submissions (2):

Labcorp Genetics (formerly Invitae), Labcorp
Classification: Uncertain significance. Last evaluated: 2025-03-22. Review status: criteria provided, single submitter. Criteria: Invitae Variant Classification Sherloc (09022015). Collection method: clinical testing. Allele origin: germline.
Comment: This sequence change replaces proline, which is neutral and non-polar, with serine, which is neutral and polar, at codon 3651 of the LAMA5 protein (p.Pro3651Ser). The frequency data for this variant in the population databases is considered unreliable, as metrics indicate poor data quality at this position in the gnomAD database. This variant has not been reported in the literature in individuals affected with LAMA5-related conditions. ClinVar contains an entry for this variant (Variation ID: 3117497). An algorithm developed to predict the effect of missense changes on protein structure and function outputs the following: PolyPhen-2: "Benign". The serine amino acid residue is found in multiple mammalian species, which suggests that this missense change does not adversely affect protein function. In summary, the available evidence is currently insufficient to determine the role of this variant in disease. Therefore, it has been classified as a Variant of Uncertain Significance.

Ambry Genetics
Classification: Uncertain significance for Inborn genetic diseases. Last evaluated: 2023-12-06. Review status: criteria provided, single submitter. Criteria: Ambry Variant Classification Scheme 2023. Collection method: clinical testing. Allele origin: germline.